The following is an entry in ClinVar:

ClinVar aggregate classification (germline): Likely pathogenic. Review status: criteria provided, multiple submitters, no conflicts (2 of 4 stars). 2 submissions from 2 submitters: Likely pathogenic (2). Last evaluated 2026-08-31.

Allele frequency attached by ClinVar (database versions not stated): ESP Exome Variant Server 0.00008; TOPMed 0.00002; gnomAD 0.00002.
gnomAD v4.1: 50 of 1,613,008 alleles (0.0031%); highest among the groups gnomAD compares: Non-Finnish European, 0.0041%; no homozygotes.

Submissions (2):

GeneDx
Classification: Likely pathogenic. Last evaluated: 2026-08-31. Review status: criteria provided, single submitter. Criteria: GeneDx Variant Classification Process June 2021. Collection method: clinical testing. Allele origin: germline.
Comment: Canonical splice site variant predicted to result in a null allele in a gene for which loss of function is a known mechanism of disease; Not observed at significant frequency in large population cohorts (gnomAD); Has not been previously published as pathogenic or benign to our knowledge

Labcorp Genetics (formerly Invitae), Labcorp
Classification: Likely pathogenic. Last evaluated: 2022-09-19. Review status: criteria provided, single submitter. Criteria: Invitae Variant Classification Sherloc (09022015). Collection method: clinical testing. Allele origin: germline.
Comment: In summary, the currently available evidence indicates that the variant is pathogenic, but additional data are needed to prove that conclusively. Therefore, this variant has been classified as Likely Pathogenic. This sequence change affects a donor splice site in intron 46 of the RTTN gene. It is expected to disrupt RNA splicing. Variants that disrupt the donor or acceptor splice site typically lead to a loss of protein function (PMID: 16199547), and loss-of-function variants in RTTN are known to be pathogenic (PMID: 26608784, 26846091). This variant is present in population databases (rs374274442, gnomAD 0.003%). This variant has not been reported in the literature in individuals affected with RTTN-related conditions. ClinVar contains an entry for this variant (Variation ID: 489162). Algorithms developed to predict the effect of sequence changes on RNA splicing suggest that this variant may disrupt the consensus splice site.

Literature cited by the submitters: PubMed 16199547 (cited by Labcorp Genetics (formerly Invitae), Labcorp); PubMed 26608784 (cited by Labcorp Genetics (formerly Invitae), Labcorp); PubMed 26846091 (cited by Labcorp Genetics (formerly Invitae), Labcorp).

NM_173630.4(RTTN):c.6421+1G>A

Gene: RTTN (rotatin; minus strand). Cytogenetic location: 18q22.2.
Variant type: single nucleotide variant.
Coding change: c.6421+1G>A on transcript NM_173630.4 (MANE Select); the canonical splice donor site of the intron after coding-DNA position 6421, G replaced by A.
Molecular consequence: splice donor variant.
Genome position (GRCh38, 1-based): chr18:70,017,406, C>T on the plus strand (G>A on the coding strand, the complement: RTTN is on the minus strand). VCF-style: chr18-70017406-C-T. GRCh37 (hg19) VCF-style: chr18-67684642-C-T.
Other names: c.3685+1G>A (NM_001318520.2).
Identifiers: ClinVar variation 489162 (VCV000489162.8), dbSNP rs374274442, ClinGen allele CA8994678.